The following is an entry in ClinVar:

NM_201596.3(CACNB2):c.958A>G (p.Arg320Gly)

Gene: CACNB2 (calcium voltage-gated channel auxiliary subunit beta 2; plus strand). Cytogenetic location: 10p12.31.
Variant type: single nucleotide variant.
Coding change: c.958A>G on transcript NM_201596.3 (MANE Select); coding-DNA position 958, A replaced by G.
Protein change: p.Arg320Gly; replaces arginine 320 with glycine.
Molecular consequence: missense variant.
Genome position (GRCh38, 1-based): chr10:18,527,601, A>G. VCF-style: chr10-18527601-A-G. GRCh37 (hg19) VCF-style: chr10-18816530-A-G.
Other names: c.793A>G, p.Arg265Gly (NM_000724.4); c.760A>G, p.Arg254Gly (NM_001167945.2); c.679A>G, p.Arg227Gly (NM_001330060.2); c.700A>G, p.Arg234Gly (NM_001410882.1); c.814A>G, p.Arg272Gly (NM_201570.3); c.874A>G, p.Arg292Gly (NM_201571.4); c.802A>G, p.Arg268Gly (NM_201572.4); c.796A>G, p.Arg266Gly (NM_201590.3); and 2 more; short protein forms R254G, R292G, R268G, R282G, R234G, R266G, R272G, R296G.
Identifiers: ClinVar variation 1761418 (VCV001761418.3), dbSNP rs1564656059, ClinGen allele CA376065180.
Genomic context (GRCh38, chr10:18,527,601, plus strand): 5'-ATTAGACCAATAACCTTAAGGTCTTCTGTGACTTTTTCCTCCAACAGGATATCCATCACA[A>G]GGGTCACCGCTGACATCTCGCTTGCCAAACGCTCGGTATTAAACAATCCCAGTAAGCACG-3'
Protein context (NP_963890.2, residues 310-330): HRFEGRISIT[Arg320Gly]VTADISLAKR

ClinVar aggregate classification (germline): Uncertain significance (1 of 4 stars; one submission).

Conditions:
Cardiovascular phenotype. Identifiers: MedGen CN230736.

Allele frequency attached by ClinVar (database versions not stated): gnomAD exomes below 0.00001.
gnomAD v4.1: 2 of 1,613,280 alleles (0.00012%); highest among the groups gnomAD compares: Non-Finnish European, 0.00017%; no homozygotes.

Submission:

Ambry Genetics
Classification: Uncertain significance for Cardiovascular phenotype. Last evaluated: 2025-03-18. Review status: criteria provided, single submitter. Criteria: Ambry Variant Classification Scheme 2023. Collection method: clinical testing. Allele origin: germline.
Comment: The p.R266G variant (also known as c.796A>G), located in coding exon 9 of the CACNB2 gene, results from an A to G substitution at nucleotide position 796. The arginine at codon 266 is replaced by glycine, an amino acid with dissimilar properties. This amino acid position is highly conserved in available vertebrate species. In addition, this alteration is predicted to be deleterious by in silico analysis. Since supporting evidence is limited at this time, the clinical significance of this alteration remains unclear.